The following is an entry in ClinVar:

ClinVar aggregate classification (germline): Pathogenic/Likely pathogenic. Review status: criteria provided, multiple submitters, no conflicts (2 of 4 stars). 2 submissions from 2 submitters: Pathogenic (1); Likely pathogenic (1). Last evaluated 2020-12-01.

Conditions:
CTNNB1-related disorder. Also called: CTNNB1-related condition.

Submissions (2):

Blueprint Genetics
Classification: Likely pathogenic for CTNNB1-related disorders. Last evaluated: 2020-12-01. Review status: criteria provided, single submitter. Criteria: ACMG Guidelines, 2015. Collection method: clinical testing. Allele origin: germline. Affected: yes. Observed: 1 variant allele.

GeneDx
Classification: Pathogenic. Last evaluated: 2018-10-09. Review status: criteria provided, single submitter. Criteria: GeneDx Variant Classification (06012015). Collection method: clinical testing. Allele origin: germline. Affected: yes.
Comment: The c.2119dupC variant in the CTNNB1 gene has not been reported previously as a pathogenic variant nor as a benign variant, to our knowledge. The c.2119dupC variant causes a frameshift starting with codon Leucine 707, changes this amino acid to a Proline residue, and creates a premature Stop codon at position 7 of the new reading frame, denoted p.Leu707ProfsX7. This variant is predicted to cause loss of normal protein function through protein truncation as the last 75 amino acids of the protein are lost and replaced with 6 incorrect amino acids. The c.2119dupC variant is not observed in large population cohorts (Lek et al., 2016). We interpret c.2119dupC as a pathogenic variant.

NM_001904.4(CTNNB1):c.2119dup (p.Leu707fs)

Gene: CTNNB1 (catenin beta 1; plus strand). Cytogenetic location: 3p22.1.
Variant type: Duplication.
Coding change: c.2119dup on transcript NM_001904.4 (MANE Select); coding-DNA position 2119, one base duplicated (C; older notation c.2119dupC).
Protein change: p.Leu707fs; shifts the reading frame from leucine 707.
Molecular consequence: frameshift variant.
Genome position (GRCh38, 1-based): chr3:41,238,058, C duplicated; the last of 4 consecutive C bases (chr3:41,238,055-41,238,058); duplicating any one gives the same sequence. VCF-style (leftmost placement, unchanged base first): chr3-41238054-A-AC. GRCh37 (hg19) VCF-style: chr3-41279545-A-AC.
Other names: c.2119dup, p.Leu707fs (NM_001098209.2, NM_001098210.2); c.2098dup, p.Leu700fs (NM_001330729.2); short protein forms L700fs, L707fs.
Identifiers: ClinVar variation 817257 (VCV000817257.2), dbSNP rs1575337368, ClinGen allele CA915942445.
Genomic context (GRCh38, chr3:41,238,054, plus strand): 5'-TGCTTTGTGCATGTTTATCTAGACTGCTGATCTTGGACTTGATATTGGTGCCCAGGGAGA[A>AC]CCCCTTGGATATCGCCAGGATGGTATGTGTCTCATATTTCTCGATTAACTCCAGATCAAG-3'